The following is an entry in ClinVar:

ClinVar aggregate classification (germline): Uncertain significance (0 of 4 stars; one submission).

Conditions:
TENM1-related disorder. Also called: TENM1-related condition.

Submission:

PreventionGenetics, part of Exact Sciences
Classification: Uncertain significance for TENM1-related condition. Last evaluated: 2024-01-26. Review status: no assertion criteria provided. Collection method: clinical testing. Allele origin: germline.
Comment: The TENM1 c.214C>T variant is predicted to result in premature protein termination (p.Gln72*). To our knowledge, this variant has not been reported in the literature or in a large population database, indicating this variant is rare. Loss-of-function has not been established as a mechanism of disease. At this time, the clinical significance of this variant is uncertain due to the absence of conclusive functional and genetic evidence.

NM_001163278.2(TENM1):c.214C>T (p.Gln72Ter)

Gene: TENM1 (teneurin transmembrane protein 1; minus strand). Cytogenetic location: Xq25.
Variant type: single nucleotide variant.
Coding change: c.214C>T on transcript NM_001163278.2 (MANE Select); coding-DNA position 214, C replaced by T.
Protein change: p.Gln72Ter; replaces glutamine 72 with a stop codon.
Molecular consequence: nonsense.
Genome position (GRCh38, 1-based): chrX:124,963,540, G>A on the plus strand (C>T on the coding strand, the complement: TENM1 is on the minus strand). VCF-style: chrX-124963540-G-A. GRCh37 (hg19) VCF-style: chrX-124097389-G-A.
Other names: c.214C>T, p.Gln72Ter (NM_001163279.1, NM_014253.3); short protein forms Q72*.
Identifiers: ClinVar variation 3032908 (VCV003032908.2), dbSNP rs749556071, ClinGen allele CA414290828.